The following is an entry in ClinVar:

NM_000135.4(FANCA):c.3274G>C (p.Gly1092Arg)

Gene: FANCA (FA complementation group A; minus strand). Cytogenetic location: 16q24.3.
Variant type: single nucleotide variant.
Coding change: c.3274G>C on transcript NM_000135.4 (MANE Select); coding-DNA position 3274, G replaced by C.
Protein change: p.Gly1092Arg; replaces glycine 1092 with arginine.
Molecular consequence: missense variant.
Genome position (GRCh38, 1-based): chr16:89,748,733, C>G on the plus strand (G>C on the coding strand, the complement: FANCA is on the minus strand). VCF-style: chr16-89748733-C-G. GRCh37 (hg19) VCF-style: chr16-89815141-C-G.
Other names: c.3274G>C, p.Gly1092Arg (NM_001286167.3); short protein forms G1092R.
Identifiers: ClinVar variation 4619145 (VCV004619145.1).

ClinVar aggregate classification (germline): Uncertain significance (1 of 4 stars; one submission).

Conditions:
Inborn genetic diseases. Identifiers: MedGen C0950123, MeSH D030342.

Submission:

Ambry Genetics
Classification: Uncertain significance for Inborn genetic diseases. Last evaluated: 2025-09-16. Review status: criteria provided, single submitter. Criteria: Ambry Variant Classification Scheme 2023. Collection method: clinical testing. Allele origin: germline.
Comment: The p.G1092R variant (also known as c.3274G>C), located in coding exon 33 of the FANCA gene, results from a G to C substitution at nucleotide position 3274. The glycine at codon 1092 is replaced by arginine, an amino acid with dissimilar properties. This amino acid position is conserved. In addition, this alteration is predicted to be tolerated by in silico analysis. Based on the available evidence, the clinical significance of this variant remains unclear.